The following is an entry in ClinVar:

ClinVar aggregate classification (germline): Uncertain significance (1 of 4 stars; one submission).

Conditions:
Cardiovascular phenotype. Identifiers: MedGen CN230736.

gnomAD v4.1: 2 of 1,602,646 alleles (0.00012%); highest among the groups gnomAD compares: African/African-American, 0.0013%; no homozygotes.

Submission:

Ambry Genetics
Classification: Uncertain significance for Cardiovascular phenotype. Last evaluated: 2024-08-08. Review status: criteria provided, single submitter. Criteria: Ambry Variant Classification Scheme 2023. Collection method: clinical testing. Allele origin: germline.
Comment: The c.2966+5T>C intronic variant results from a T to C substitution 5 nucleotides after coding exon 36 in the CACNA2D1 gene. This nucleotide position is not well conserved in available vertebrate species. In silico splice site analysis predicts that this alteration will not have any significant effect on splicing. The evidence for this gene-disease relationship is limited; therefore, the clinical significance of this alteration is unclear.

NM_000722.4(CACNA2D1):c.2966+5T>C

Gene: CACNA2D1 (calcium voltage-gated channel auxiliary subunit alpha2delta 1; minus strand). Cytogenetic location: 7q21.11.
Variant type: single nucleotide variant.
Coding change: c.2966+5T>C on transcript NM_000722.4 (MANE Select); 5 bases into the intron after coding-DNA position 2966, T replaced by C.
Molecular consequence: intron variant.
Genome position (GRCh38, 1-based): chr7:81,961,889, A>G on the plus strand (T>C on the coding strand, the complement: CACNA2D1 is on the minus strand). VCF-style: chr7-81961889-A-G. GRCh37 (hg19) VCF-style: chr7-81591205-A-G.
Other names: c.3002+5T>C (NM_001366867.1).
Identifiers: ClinVar variation 3484079 (VCV003484079.1).